The following is an entry in ClinVar:

ClinVar aggregate classification (germline): Uncertain significance (1 of 4 stars; one submission).

gnomAD v4.1: 3 of 1,613,176 alleles (0.00019%); highest among the groups gnomAD compares: East Asian, 0.0022%; no homozygotes.

Submission:

Labcorp Genetics (formerly Invitae), Labcorp
Classification: Uncertain significance. Last evaluated: 2022-12-21. Review status: criteria provided, single submitter. Criteria: Invitae Variant Classification Sherloc (09022015). Collection method: clinical testing. Allele origin: germline.
Comment: This variant is not present in population databases (gnomAD no frequency). In summary, the available evidence is currently insufficient to determine the role of this variant in disease. Therefore, it has been classified as a Variant of Uncertain Significance. Advanced modeling of protein sequence and biophysical properties (such as structural, functional, and spatial information, amino acid conservation, physicochemical variation, residue mobility, and thermodynamic stability) performed at Invitae indicates that this missense variant is expected to disrupt HERC1 protein function. This variant has not been reported in the literature in individuals affected with HERC1-related conditions. This sequence change replaces valine, which is neutral and non-polar, with leucine, which is neutral and non-polar, at codon 3796 of the HERC1 protein (p.Val3796Leu).

NM_003922.4(HERC1):c.11386G>T (p.Val3796Leu)

Gene: HERC1 (HECT and RLD domain containing E3 ubiquitin protein ligase family member 1; minus strand). Cytogenetic location: 15q22.31.
Variant type: single nucleotide variant.
Coding change: c.11386G>T on transcript NM_003922.4 (MANE Select); coding-DNA position 11386, G replaced by T.
Protein change: p.Val3796Leu; replaces valine 3796 with leucine.
Molecular consequence: missense variant.
Genome position (GRCh38, 1-based): chr15:63,643,004, C>A on the plus strand (G>T on the coding strand, the complement: HERC1 is on the minus strand). VCF-style: chr15-63643004-C-A. GRCh37 (hg19) VCF-style: chr15-63935203-C-A.
Other names: short protein forms V3796L.
Identifiers: ClinVar variation 2871062 (VCV002871062.3), dbSNP rs2551057906, ClinGen allele CA392748522.